The following is an entry in ClinVar:

ClinVar aggregate classification (germline): Uncertain significance (1 of 4 stars; one submission).

Conditions:
Glycogen storage disease, type II (IOPD). Also called: Pompe Disease; Glucosidase acid-1,4-alpha deficiency; GLYCOGENOSIS, GENERALIZED, CARDIAC FORM; GSD II; POMPE DISEASE, INFANTILE-ONSET; GLYCOGEN STORAGE DISEASE II, INFANTILE-ONSET. Identifiers: Orphanet 365, MedGen C0017921, MONDO:0009290, OMIM 232300.

Allele frequency attached by ClinVar (database versions not stated): gnomAD exomes 0.00001.
gnomAD v4.1: 8 of 1,611,382 alleles (0.0005%); highest among the groups gnomAD compares: Non-Finnish European, 0.00059%; no homozygotes.

Submission:

Labcorp Genetics (formerly Invitae), Labcorp
Classification: Uncertain significance for Glycogen storage disease, type II. Last evaluated: 2023-03-10. Review status: criteria provided, single submitter. Criteria: Invitae Variant Classification Sherloc (09022015). Collection method: clinical testing. Allele origin: germline.
Comment: In summary, the available evidence is currently insufficient to determine the role of this variant in disease. Therefore, it has been classified as a Variant of Uncertain Significance. Variants that disrupt the consensus splice site are a relatively common cause of aberrant splicing (PMID: 17576681, 9536098). Algorithms developed to predict the effect of sequence changes on RNA splicing suggest that this variant is not likely to affect RNA splicing. ClinVar contains an entry for this variant (Variation ID: 646213). This variant has not been reported in the literature in individuals affected with GAA-related conditions. This variant is not present in population databases (gnomAD no frequency). This sequence change falls in intron 4 of the GAA gene. It does not directly change the encoded amino acid sequence of the GAA protein. It affects a nucleotide within the consensus splice site.

Literature cited by the submitters: PubMed 17576681; PubMed 9536098.

NM_000152.5(GAA):c.859-3C>T

Gene: GAA (alpha glucosidase; plus strand). Cytogenetic location: 17q25.3.
Variant type: single nucleotide variant.
Coding change: c.859-3C>T on transcript NM_000152.5 (MANE Select); 3 bases into the intron before coding-DNA position 859, C replaced by T.
Molecular consequence: intron variant.
Genome position (GRCh38, 1-based): chr17:80,107,797, C>T. VCF-style: chr17-80107797-C-T. GRCh37 (hg19) VCF-style: chr17-78081596-C-T.
Other names: c.859-3C>T (LRG_673t1, NM_001079803.3, NM_001079804.3).
Identifiers: ClinVar variation 646213 (VCV000646213.7), dbSNP rs1356743231, ClinGen allele CA628018348.
Genomic context (GRCh38, chr17:80,107,797, plus strand): 5'-GGCGGGCGGGGGCACTGAGCTGGGGAGCGCAGGTGCTGAAGCGCCGTCTCCTGCATGTCC[C>T]AGCCCGGTGCGAACCTCTACGGGTCTCACCCTTTCTACCTGGCGCTGGAGGACGGCGGGT-3'